The following is an entry in ClinVar:

ClinVar aggregate classification (germline): Likely benign (1 of 4 stars; one submission).

Allele frequency attached by ClinVar (database versions not stated): 1000 Genomes Project 0.00060; 1000 Genomes Project 30x 0.00094; ESP Exome Variant Server 0.00520.
gnomAD v4.1: 8,681 of 1,608,120 alleles (0.54%); highest among the groups gnomAD compares: Non-Finnish European, 0.65%; 45 homozygotes.

Submission:

CeGaT Center for Human Genetics Tuebingen
Classification: Likely benign. Last evaluated: 2022-12-01. Review status: criteria provided, single submitter. Criteria: CeGaT Center For Human Genetics Tuebingen Variant Classification Criteria Version 2. Collection method: clinical testing. Allele origin: germline. Affected: yes. Observed: 1 variant allele.
Comment: KCNU1: BP4, BS2

NM_001031836.3(KCNU1):c.1726C>A (p.Pro576Thr)

Gene: KCNU1 (potassium calcium-activated channel subfamily U member 1; plus strand). Cytogenetic location: 8p11.23.
Variant type: single nucleotide variant.
Coding change: c.1726C>A on transcript NM_001031836.3 (MANE Select); coding-DNA position 1726, C replaced by A.
Protein change: p.Pro576Thr; replaces proline 576 with threonine.
Molecular consequence: missense variant. On other transcripts: non-coding transcript variant (1).
Genome position (GRCh38, 1-based): chr8:36,845,602, C>A. VCF-style: chr8-36845602-C-A. GRCh37 (hg19) VCF-style: chr8-36703120-C-A.
Other names: short protein forms P576T.
Identifiers: ClinVar variation 2658535 (VCV002658535.24), dbSNP rs61744028, ClinGen allele CA4709522.